The following is an entry in ClinVar:

ClinVar aggregate classification (germline): Uncertain significance (1 of 4 stars; one submission).

Conditions:
Hereditary breast ovarian cancer syndrome. Also called: Hereditary breast and ovarian cancer syndrome (HBOC); BRCA1- and BRCA2-Associated Hereditary Breast and Ovarian Cancer; Hereditary breast and/or ovarian cancer syndrome; Hereditary breast and ovarian cancer; Breast and ovarian cancer; Hereditary breast and ovarian cancer syndrome. Identifiers: Orphanet 145, MedGen C0677776, MeSH D061325, MONDO:0003582. Disease mechanism: loss of function.

Submission:

Labcorp Genetics (formerly Invitae), Labcorp
Classification: Uncertain significance for Hereditary breast ovarian cancer syndrome. Last evaluated: 2024-05-23. Review status: criteria provided, single submitter. Criteria: Invitae Variant Classification Sherloc (09022015). Collection method: clinical testing. Allele origin: germline.
Comment: This sequence change replaces asparagine, which is neutral and polar, with serine, which is neutral and polar, at codon 247 of the BRCA1 protein (p.Asn247Ser). This variant is not present in population databases (gnomAD no frequency). This variant has not been reported in the literature in individuals affected with BRCA1-related conditions. Advanced modeling of protein sequence and biophysical properties (such as structural, functional, and spatial information, amino acid conservation, physicochemical variation, residue mobility, and thermodynamic stability) performed at Invitae indicates that this missense variant is not expected to disrupt BRCA1 protein function with a negative predictive value of 95%. In summary, the available evidence is currently insufficient to determine the role of this variant in disease. Therefore, it has been classified as a Variant of Uncertain Significance.

NM_007294.4(BRCA1):c.740A>G (p.Asn247Ser)

Gene: BRCA1 (BRCA1 DNA repair associated; minus strand). Cytogenetic location: 17q21.31.
Variant type: single nucleotide variant.
Coding change: c.740A>G on transcript NM_007294.4 (MANE Select); coding-DNA position 740, A replaced by G.
Protein change: p.Asn247Ser; replaces asparagine 247 with serine.
Molecular consequence: missense variant. On other transcripts: 5 prime UTR variant (2), intron variant (13).
Genome position (GRCh38, 1-based): chr17:43,094,791, T>C on the plus strand (A>G on the coding strand, the complement: BRCA1 is on the minus strand). VCF-style: chr17-43094791-T-C. GRCh37 (hg19) VCF-style: chr17-41246808-T-C.
Other names: c.614A>G, p.Asn205Ser (NM_001407649.1, NM_001407670.1, NM_001407671.1 and 20 more transcripts); c.740A>G, p.Asn247Ser (NM_001407652.1, NM_001407684.1, NM_001407854.1 and 53 more transcripts); c.662A>G, p.Asn221Ser (NM_001407653.1, NM_001407654.1, NM_001407655.1 and 9 more transcripts); c.659A>G, p.Asn220Ser (NM_001407659.1, NM_001407660.1, NM_001407661.1 and 3 more transcripts); c.617A>G, p.Asn206Ser (NM_001407664.1, NM_001407665.1, NM_001407666.1 and 34 more transcripts); c.599A>G, p.Asn200Ser (NM_001407692.1, NM_001407694.1, NM_001407695.1 and 43 more transcripts); c.596A>G, p.Asn199Ser (NM_001407740.1, NM_001407741.1, NM_001407742.1 and 26 more transcripts); c.527A>G, p.Asn176Ser (NM_001407853.1, NM_001407894.1, NM_001407895.1 and 12 more transcripts); and 20 more; short protein forms N120S, N220S, N79S, N176S, N200S, N205S, N206S, N119S.
Identifiers: ClinVar variation 3680685 (VCV003680685.2).